The following is an entry in ClinVar:

ClinVar aggregate classification (germline): Benign. Review status: criteria provided, multiple submitters, no conflicts (2 of 4 stars). 6 submissions from 6 submitters: Benign (5). 1 of the submissions does not count toward it. Last evaluated 2026-02-01.

Conditions:
FUT8-related disorder. Also called: FUT8-related condition.
Congenital disorder of glycosylation with defective fucosylation 1 (CDGF1). Identifiers: MedGen CN258220, MONDO:0020775, OMIM 618005.

Allele frequency attached by ClinVar (database versions not stated): ESP Exome Variant Server 0.12117; TOPMed 0.11690; gnomAD 0.12879 and 0.13480; 1000 Genomes Project 30x 0.14241; 1000 Genomes Project 0.14936; gnomAD exomes 0.16490 and 0.17023; ExAC 0.17209.
gnomAD v4.1: 261,137 of 1,612,836 alleles (16%); highest among the groups gnomAD compares: South Asian, 27%; 23,384 homozygotes.

Submissions (6):

Labcorp Genetics (formerly Invitae), Labcorp
Classification: Benign. Last evaluated: 2026-02-01. Review status: criteria provided, single submitter. Criteria: Invitae Variant Classification Sherloc (09022015). Collection method: clinical testing. Allele origin: germline.

Mayo Clinic Laboratories, Mayo Clinic
Classification: Benign. Last evaluated: 2023-02-24. Review status: criteria provided, single submitter. Criteria: ACMG Guidelines, 2015. Collection method: clinical testing. Allele origin: germline. Observed: 4 variant alleles.
Comment: BA1, BP4

Genome-Nilou Lab
Classification: Benign for Congenital disorder of glycosylation with defective fucosylation 1. Last evaluated: 2021-08-10. Review status: criteria provided, single submitter. Criteria: ACMG Guidelines, 2015. Collection method: clinical testing. Allele origin: germline. Affected: no.

GeneDx
Classification: Benign. Last evaluated: 2018-09-04. Review status: criteria provided, single submitter. Criteria: GeneDx Variant Classification Process June 2021. Collection method: clinical testing. Allele origin: germline. Affected: yes.
Comment: This variant is associated with the following publications: (PMID: 22011814)

Breakthrough Genomics
Classification: Benign. Review status: criteria provided, single submitter. Criteria: ACMG Guidelines, 2015. Collection method: not provided. Allele origin: germline. Inheritance: Autosomal recessive inheritance. Affected: yes.

PreventionGenetics, part of Exact Sciences
Classification: Benign for FUT8-related condition. Last evaluated: 2019-10-29. Review status: no assertion criteria provided. Collection method: clinical testing. Allele origin: germline. Not counted in ClinVar's aggregate classification.
Comment: This variant is classified as benign based on ACMG/AMP sequence variant interpretation guidelines (Richards et al. 2015 PMID: 25741868, with internal and published modifications).

NM_001371533.1(FUT8):c.800C>A (p.Thr267Lys)

Gene: FUT8 (fucosyltransferase 8; plus strand). Cytogenetic location: 14q23.3.
Variant type: single nucleotide variant.
Coding change: c.800C>A on transcript NM_001371533.1 (MANE Select); coding-DNA position 800, C replaced by A.
Protein change: p.Thr267Lys; replaces threonine 267 with lysine.
Molecular consequence: missense variant. On other transcripts: non-coding transcript variant (1).
Genome position (GRCh38, 1-based): chr14:65,669,445, C>A. VCF-style: chr14-65669445-C-A. GRCh37 (hg19) VCF-style: chr14-66136163-C-A.
Other names: p.Thr267Lys; c.800C>A (NM_178155.2); c.800C>A, p.Thr267Lys (NM_001371534.1, NM_178155.3, NM_178156.2); c.902C>A, p.Thr301Lys (NM_001371536.1); c.311C>A, p.Thr104Lys (NM_004480.4); short protein forms T104K, T267K, T301K.
Identifiers: ClinVar variation 1285286 (VCV001285286.15), dbSNP rs35949016, ClinGen allele CA7233315.